The following is an entry in ClinVar:

NM_001127644.2(GABRA1):c.1183A>T (p.Ile395Leu)

Gene: GABRA1 (gamma-aminobutyric acid type A receptor subunit alpha1; plus strand). Cytogenetic location: 5q34.
Variant type: single nucleotide variant.
Coding change: c.1183A>T on transcript NM_001127644.2 (MANE Select); coding-DNA position 1183, A replaced by T.
Protein change: p.Ile395Leu; replaces isoleucine 395 with leucine.
Molecular consequence: missense variant.
Genome position (GRCh38, 1-based): chr5:161,897,234, A>T. VCF-style: chr5-161897234-A-T. GRCh37 (hg19) VCF-style: chr5-161324240-A-T.
Other names: c.1183A>T, p.Ile395Leu (NM_000806.5, NM_001127643.2, NM_001127645.2 and 1 more transcripts); short protein forms I395L.
Identifiers: ClinVar variation 4687065 (VCV004687065.2).

ClinVar aggregate classification (germline): Uncertain significance (1 of 4 stars; one submission).

Submission:

GeneDx
Classification: Uncertain significance. Last evaluated: 2026-06-16. Review status: criteria provided, single submitter. Criteria: GeneDx Variant Classification Process June 2021. Collection method: clinical testing. Allele origin: germline.
Comment: Not observed at significant frequency in large population cohorts (gnomAD); In silico analysis suggests that this missense variant does not alter protein structure/function; Has not been previously published as pathogenic or benign to our knowledge